The following is an entry in ClinVar:

ClinVar aggregate classification (germline): Uncertain significance (1 of 4 stars; one submission).

Submission:

Labcorp Genetics (formerly Invitae), Labcorp
Classification: Uncertain significance. Last evaluated: 2022-06-15. Review status: criteria provided, single submitter. Criteria: Invitae Variant Classification Sherloc (09022015). Collection method: clinical testing. Allele origin: germline.
Comment: In summary, the available evidence is currently insufficient to determine the role of this variant in disease. Therefore, it has been classified as a Variant of Uncertain Significance. This variant has not been reported in the literature in individuals affected with OTULIN-related conditions. This variant is not present in population databases (gnomAD no frequency). This sequence change creates a premature translational stop signal (p.Glu153Aspfs*27) in the OTULIN gene. It is expected to result in an absent or disrupted protein product. However, the current clinical and genetic evidence is not sufficient to establish whether loss-of-function variants in OTULIN cause disease.

NM_138348.6(OTULIN):c.455_458dup (p.Glu153fs)

Gene: OTULIN (OTU deubiquitinase with linear linkage specificity; plus strand). Cytogenetic location: 5p15.2.
Variant type: Duplication.
Coding change: c.455_458dup on transcript NM_138348.6 (MANE Select); coding-DNA positions 455 to 458, 4 bases duplicated (CGGA; older notation c.455_458dupCGGA).
Protein change: p.Glu153fs; shifts the reading frame from glutamic acid 153.
Molecular consequence: frameshift variant.
Genome position (GRCh38, 1-based): chr5:14,681,594-14,681,597, CGGA duplicated. VCF-style (leftmost placement, unchanged base first): chr5-14681593-C-CCGGA. GRCh37 (hg19) VCF-style: chr5-14681702-C-CCGGA.
Other names: short protein forms E153fs.
Identifiers: ClinVar variation 2007301 (VCV002007301.4), dbSNP rs2478185865, ClinGen allele CA2580072159.